The following is an entry in ClinVar:

NM_032043.3(BRIP1):c.2023dup (p.Glu675fs)

Gene: BRIP1 (BRCA1 interacting DNA helicase 1; minus strand). Cytogenetic location: 17q23.2.
Variant type: Duplication.
Coding change: c.2023dup on transcript NM_032043.3 (MANE Select); coding-DNA position 2023, one base duplicated (G; older notation c.2023dupG).
Protein change: p.Glu675fs; shifts the reading frame from glutamic acid 675.
Molecular consequence: frameshift variant.
Genome position (GRCh38, 1-based): chr17:61,776,475, C duplicated on the plus strand (G on the coding strand, the reverse complement: BRIP1 is on the minus strand). VCF-style (leftmost placement, unchanged base first): chr17-61776474-T-TC. GRCh37 (hg19) VCF-style: chr17-59853835-T-TC.
Other names: short protein forms E675fs.
Identifiers: ClinVar variation 1452885 (VCV001452885.8), dbSNP rs2145029870, ClinGen allele CA2573154296.

ClinVar aggregate classification (germline): Pathogenic. Review status: criteria provided, multiple submitters, no conflicts (2 of 4 stars). 2 submissions from 2 submitters: Pathogenic (2). Last evaluated 2024-04-10.

Conditions:
Familial cancer of breast. Also called: hereditary breast carcinoma; BREAST CANCER, FAMILIAL; Hereditary breast cancer. Identifiers: Orphanet 227535, MedGen C0346153, MONDO:0016419, OMIM 114480. Disease mechanism: loss of function.
Fanconi anemia complementation group J. Also called: BRIP1-Related Fanconi Anemia. Identifiers: Orphanet 84, MedGen C1836860, MONDO:0012187, OMIM 609054.

Submissions (2):

Labcorp Genetics (formerly Invitae), Labcorp
Classification: Pathogenic for Familial cancer of breast; Fanconi anemia complementation group J. Last evaluated: 2024-04-10. Review status: criteria provided, single submitter. Criteria: Invitae Variant Classification Sherloc (09022015). Collection method: clinical testing. Allele origin: germline.
Comment: This sequence change creates a premature translational stop signal (p.Glu675Glyfs*42) in the BRIP1 gene. It is expected to result in an absent or disrupted protein product. Loss-of-function variants in BRIP1 are known to be pathogenic (PMID: 16116423, 17033622, 21964575). This variant is not present in population databases (gnomAD no frequency). This variant has not been reported in the literature in individuals affected with BRIP1-related conditions. ClinVar contains an entry for this variant (Variation ID: 1452885). For these reasons, this variant has been classified as Pathogenic.

Myriad Genetics, Inc.
Classification: Pathogenic for Familial cancer of breast. Last evaluated: 2023-06-05. Review status: criteria provided, single submitter. Criteria: Myriad Autosomal Dominant, Autosomal Recessive and X-Linked Classification Criteria (2023). Collection method: clinical testing. Allele origin: unknown.
Comment: This variant is considered pathogenic. This variant creates a frameshift predicted to result in premature protein truncation.

Literature cited by the submitters: PubMed 16116423 (cited by Labcorp Genetics (formerly Invitae), Labcorp); PubMed 17033622 (cited by Labcorp Genetics (formerly Invitae), Labcorp); PubMed 21964575 (cited by Labcorp Genetics (formerly Invitae), Labcorp).